The following is an entry in ClinVar:

ClinVar aggregate classification (germline): Likely benign. Review status: criteria provided, multiple submitters, no conflicts (2 of 4 stars). 5 submissions from 5 submitters: Likely benign (4). 1 of the submissions does not count toward it. Last evaluated 2025-10-09.

Conditions:
ZNF335-related disorder. Also called: ZNF335-related condition.

Allele frequency attached by ClinVar (database versions not stated): gnomAD 0.00218 and 0.00245; TOPMed 0.00238; gnomAD exomes 0.00053 and 0.00020; ExAC 0.00104; 1000 Genomes Project 0.00120; 1000 Genomes Project 30x 0.00141; ESP Exome Variant Server 0.00155.
gnomAD v4.1: 633 of 1,542,956 alleles (0.041%); highest among the groups gnomAD compares: African/African-American, 0.78%; 3 homozygotes.

Submissions (5):

Labcorp Genetics (formerly Invitae), Labcorp
Classification: Likely benign. Last evaluated: 2025-10-09. Review status: criteria provided, single submitter. Criteria: Invitae Variant Classification Sherloc (09022015). Collection method: clinical testing. Allele origin: germline.

CeGaT Center for Human Genetics Tuebingen
Classification: Likely benign. Last evaluated: 2025-09-01. Review status: criteria provided, single submitter. Criteria: CeGaT Center For Human Genetics Tuebingen Variant Classification Criteria Version 2. Collection method: clinical testing. Allele origin: germline. Affected: yes. Observed: 1 variant allele.
Comment: ZNF335: BP4, BP7

Blueprint Genetics
Classification: Likely benign. Last evaluated: 2024-06-05. Review status: criteria provided, single submitter. Criteria: ACMG Guidelines, 2015. Collection method: clinical testing. Allele origin: germline.

Breakthrough Genomics
Classification: Likely benign. Review status: criteria provided, single submitter. Criteria: ACMG Guidelines, 2015. Collection method: not provided. Allele origin: germline. Inheritance: Autosomal recessive inheritance. Affected: yes.

PreventionGenetics, part of Exact Sciences
Classification: Likely benign for ZNF335-related condition. Last evaluated: 2019-04-05. Review status: no assertion criteria provided. Collection method: clinical testing. Allele origin: germline. Not counted in ClinVar's aggregate classification.
Comment: This variant is classified as likely benign based on ACMG/AMP sequence variant interpretation guidelines (Richards et al. 2015 PMID: 25741868, with internal and published modifications).

NM_022095.4(ZNF335):c.186C>T (p.Arg62=)

Gene: ZNF335 (zinc finger protein 335; minus strand). Cytogenetic location: 20q13.12.
Variant type: single nucleotide variant.
Coding change: c.186C>T on transcript NM_022095.4 (MANE Select); coding-DNA position 186, C replaced by T.
Protein change: p.Arg62=; no amino-acid change (arginine 62 retained).
Molecular consequence: synonymous variant.
Genome position (GRCh38, 1-based): chr20:45,971,225, G>A on the plus strand (C>T on the coding strand, the complement: ZNF335 is on the minus strand). VCF-style: chr20-45971225-G-A. GRCh37 (hg19) VCF-style: chr20-44599864-G-A.
Other names: c.186C>T (NM_022095.3).
Identifiers: ClinVar variation 1622949 (VCV001622949.19), dbSNP rs59901407, ClinGen allele CA9886206.